The following is an entry in ClinVar:

NM_015047.3(EMC1):c.2673-3C>T

Genes: EMC1 (ER membrane protein complex subunit 1; minus strand), EMC1-AS1 (EMC1 antisense RNA 1; plus strand). Cytogenetic location: 1p36.13.
Variant type: single nucleotide variant.
Coding change: c.2673-3C>T on transcript NM_015047.3 (MANE Select); 3 bases into the intron before coding-DNA position 2673, C replaced by T.
Molecular consequence: intron variant.
Genome position (GRCh38, 1-based): chr1:19,219,701, G>A on the plus strand (C>T on the coding strand, the complement: EMC1 is on the minus strand). VCF-style: chr1-19219701-G-A. GRCh37 (hg19) VCF-style: chr1-19546195-G-A.
Other names: c.2607-3C>T (NM_001271429.2); c.2670-3C>T (NM_001271427.2, NM_001271428.2); c.2679-3C>T (NM_001375821.1); c.2682-3C>T (NM_001375820.1).
Identifiers: ClinVar variation 1468958 (VCV001468958.6), dbSNP rs1192913490, ClinGen allele CA1157041851.

ClinVar aggregate classification (germline): Uncertain significance (1 of 4 stars; one submission).

Allele frequency attached by ClinVar (database versions not stated): TOPMed below 0.00001.

Submission:

Labcorp Genetics (formerly Invitae), Labcorp
Classification: Uncertain significance. Last evaluated: 2024-05-23. Review status: criteria provided, single submitter. Criteria: Invitae Variant Classification Sherloc (09022015). Collection method: clinical testing. Allele origin: germline.
Comment: This sequence change falls in intron 21 of the EMC1 gene. It does not directly change the encoded amino acid sequence of the EMC1 protein. It affects a nucleotide within the consensus splice site. This variant is not present in population databases (gnomAD no frequency). This variant has not been reported in the literature in individuals affected with EMC1-related conditions. ClinVar contains an entry for this variant (Variation ID: 1468958). Variants that disrupt the consensus splice site are a relatively common cause of aberrant splicing (PMID: 17576681, 9536098). Algorithms developed to predict the effect of sequence changes on RNA splicing suggest that this variant may disrupt the consensus splice site. In summary, the available evidence is currently insufficient to determine the role of this variant in disease. Therefore, it has been classified as a Variant of Uncertain Significance.

Literature cited by the submitters: PubMed 17576681; PubMed 9536098.